The following is an entry in ClinVar:

ClinVar aggregate classification (germline): Conflicting classifications of pathogenicity. Review status: criteria provided, conflicting classifications (1 of 4 stars). 4 submissions from 4 submitters: Likely pathogenic (2); Uncertain significance (2). Last evaluated 2026-01-15.

Conditions:
Inborn genetic diseases. Identifiers: MedGen C0950123, MeSH D030342.
Pontocerebellar hypoplasia type 9. Identifiers: Orphanet 369920, MedGen C4014354, MONDO:0014351, OMIM 615809.
Hereditary spastic paraplegia 63. Also called: Spastic paraplegia 63, autosomal recessive. Identifiers: Orphanet 401805, MedGen C3810295, MONDO:0014305, OMIM 615686.

gnomAD v4.1: 2 of 1,613,948 alleles (0.00012%); highest among the groups gnomAD compares: Non-Finnish European, 0.00017%; no homozygotes.

Submissions (4):

Labcorp Genetics (formerly Invitae), Labcorp
Classification: Likely pathogenic for Pontocerebellar hypoplasia type 9; Hereditary spastic paraplegia 63. Last evaluated: 2026-01-15. Review status: criteria provided, single submitter. Criteria: Invitae Variant Classification Sherloc (09022015). Collection method: clinical testing. Allele origin: germline.
Comment: This sequence change replaces arginine, which is basic and polar, with leucine, which is neutral and non-polar, at codon 378 of the AMPD2 protein (p.Arg378Leu). This variant is not present in population databases (gnomAD no frequency). This missense change has been observed in individual(s) with clinical features of AMPD2-related conditions (internal data). In at least one individual the data is consistent with being in trans (on the opposite chromosome) from a pathogenic variant. ClinVar contains an entry for this variant (Variation ID: 571097). An algorithm developed to predict the effect of missense changes on protein structure and function (PolyPhen-2) suggests that this variant is likely to be disruptive. This variant disrupts the p.Arg378 amino acid residue in AMPD2. Other variant(s) that disrupt this residue have been observed in individuals with AMPD2-related conditions (PMID: 29463858; internal data), which suggests that this may be a clinically significant amino acid residue. In summary, the currently available evidence indicates that the variant is pathogenic, but additional data are needed to prove that conclusively. Therefore, this variant has been classified as Likely Pathogenic.

Ambry Genetics
Classification: Likely pathogenic for Inborn genetic diseases. Last evaluated: 2025-10-27. Review status: criteria provided, single submitter. Criteria: Ambry Variant Classification Scheme 2023. Collection method: clinical testing. Allele origin: germline.
Comment: The c.1133G>T (p.R378L) alteration is located in exon 9 (coding exon 9) of the AMPD2 gene. This alteration results from a G to T substitution at nucleotide position 1133, causing the arginine (R) at amino acid position 378 to be replaced by a leucine (L). This variant was not reported in population-based cohorts in the Genome Aggregation Database (gnomAD). This variant has been identified in the homozygous state and/or in conjunction with other AMPD2 variant(s) in individual(s) with features consistent with AMPD2-related pontocerebellar hypoplasia (external communication). Other variant(s) at the same codon, c.1132C>T (p.R378W), c.1133G>C (p.R378P), have been identified in individual(s) with features consistent with AMPD2-related pontocerebellar hypoplasia (Kort&uuml;m, 2018). This amino acid position is highly conserved in available vertebrate species. This alteration is predicted to be deleterious by in silico analysis. Based on the available evidence, this alteration is classified as likely pathogenic.

Women's Health and Genetics/Laboratory Corporation of America, LabCorp
Classification: Uncertain significance. Last evaluated: 2024-04-01. Review status: criteria provided, single submitter. Criteria: LabCorp Variant Classification Summary - May 2015. Collection method: clinical testing. Allele origin: germline.
Comment: Variant summary: AMPD2 c.971G>T (p.Arg324Leu) results in a non-conservative amino acid change in the encoded protein sequence. Five of five in-silico tools predict a damaging effect of the variant on protein function. The variant was absent in 251326 control chromosomes. The available data on variant occurrences in the general population are insufficient to allow any conclusion about variant significance. To our knowledge, no occurrence of c.971G>T in individuals affected with Pontocerebellar Hypoplasia, Type 9 and no experimental evidence demonstrating its impact on protein function have been reported. ClinVar contains an entry for this variant (Variation ID: 571097). Based on the evidence outlined above, the variant was classified as uncertain significance.

GeneDx
Classification: Uncertain significance. Last evaluated: 2023-07-27. Review status: criteria provided, single submitter. Criteria: GeneDx Variant Classification Process June 2021. Collection method: clinical testing. Allele origin: germline. Affected: yes.
Comment: Has not been previously published as pathogenic or benign to our knowledge; Not observed at significant frequency in large population cohorts (gnomAD); In silico analysis supports that this missense variant has a deleterious effect on protein structure/function; This variant is associated with the following publications: (PMID: 29463858, 27694994)

Literature cited by the submitters: PubMed 29463858 (cited by Labcorp Genetics (formerly Invitae), Labcorp and Ambry Genetics).

NM_001368809.2(AMPD2):c.971G>T (p.Arg324Leu)

Genes: AMPD2 (adenosine monophosphate deaminase 2; plus strand), LOC126805822 (BRD4-independent group 4 enhancer GRCh37_chr1:110170748-110171947; plus strand). Cytogenetic location: 1p13.3.
Variant type: single nucleotide variant.
Coding change: c.971G>T on transcript NM_001368809.2 (MANE Select); coding-DNA position 971, G replaced by T.
Protein change: p.Arg324Leu; replaces arginine 324 with leucine.
Molecular consequence: missense variant.
Genome position (GRCh38, 1-based): chr1:109,627,794, G>T. VCF-style: chr1-109627794-G-T. GRCh37 (hg19) VCF-style: chr1-110170416-G-T.
Other names: c.1133G>T (NM_001257360.1, NM_004037.6); c.779G>T, p.Arg260Leu (NM_001257361.2); c.908G>T, p.Arg303Leu (NM_001308170.1); c.971G>T, p.Arg324Leu (NM_004037.9); c.890G>T, p.Arg297Leu (NM_139156.4); short protein forms R260L, R297L, R303L, R324L.
Identifiers: ClinVar variation 571097 (VCV000571097.12), dbSNP rs746332433, ClinGen allele CA341557548.